The following is an entry in ClinVar:

NM_004380.3(CREBBP):c.2321A>G (p.Asn774Ser)

Gene: CREBBP (CREB binding lysine acetyltransferase; minus strand). Cytogenetic location: 16p13.3.
Variant type: single nucleotide variant.
Coding change: c.2321A>G on transcript NM_004380.3 (MANE Select); coding-DNA position 2321, A replaced by G.
Protein change: p.Asn774Ser; replaces asparagine 774 with serine.
Molecular consequence: missense variant.
Genome position (GRCh38, 1-based): chr16:3,773,893, T>C on the plus strand (A>G on the coding strand, the complement: CREBBP is on the minus strand). VCF-style: chr16-3773893-T-C. GRCh37 (hg19) VCF-style: chr16-3823894-T-C.
Other names: c.2207A>G, p.Asn736Ser (NM_001079846.1); short protein forms N736S, N774S.
Identifiers: ClinVar variation 4883256 (VCV004883256.2).

ClinVar aggregate classification (germline): Uncertain significance (1 of 4 stars; one submission).

gnomAD v4.1: 6 of 1,612,098 alleles (0.00037%); highest among the groups gnomAD compares: East Asian, 0.0067%; no homozygotes.

Submission:

Dasa
Classification: Uncertain significance. Last evaluated: 2026-01-30. Review status: criteria provided, single submitter. Criteria: DASA Assertion Criteria. Collection method: clinical testing. Allele origin: germline.
Comment: NM_004380.3(CREBBP):c.2321A>G (p.Asn774Ser) is a missense variant that results in the substitution of asparagine with serine. This variant is rare in population databases. Computational prediction algorithms are consistent with a benign effect. The currently available literature and clinical evidence are not sufficient to establish a definitive association between this variant and the reported condition. Therefore, this variant is classified as a variant of uncertain significance.